The following is an entry in ClinVar:

NC_000002.11:g.179534118_179534119insAlu

Gene: TTN (titin; minus strand). Cytogenetic location: 2q31.2.
Variant type: Insertion.
Identifiers: ClinVar variation 2084318 (VCV002084318.4).

ClinVar aggregate classification (germline): Uncertain significance (1 of 4 stars; one submission).

Conditions:
Dilated cardiomyopathy 1G (CMD1G). Identifiers: Orphanet 154, MedGen C1858763, MONDO:0011400, OMIM 604145.
Autosomal recessive limb-girdle muscular dystrophy type 2J (LGMDR10). Also called: Limb-girdle muscular dystrophy, type 2J; MUSCULAR DYSTROPHY, LIMB-GIRDLE, AUTOSOMAL RECESSIVE 10. Identifiers: Orphanet 140922, MedGen C1837342, MONDO:0012127, OMIM 608807.

Submission:

Labcorp Genetics (formerly Invitae), Labcorp
Classification: Uncertain significance for Dilated cardiomyopathy 1G; Autosomal recessive limb-girdle muscular dystrophy type 2J. Last evaluated: 2026-01-21. Review status: criteria provided, single submitter. Criteria: Invitae Variant Classification Sherloc (09022015). Collection method: clinical testing. Allele origin: germline.
Comment: This sequence change inserts a large fragment of DNA, likely a transposable element, in exon 159 of the TTN gene (c.35526_35527ins?), causing a frameshift at codon 11843 (p.Glu11843fs). The exact size and sequence of the insertion cannot be determined by the current assay. While this is not anticipated to result in nonsense mediated decay, it is expected to create a truncated TTN protein. This variant is not present in population databases (gnomAD no frequency). This variant has not been reported in the literature in individuals affected with TTN-related conditions. This variant is located in the I band of TTN (PMID: 25589632). Truncating variants in this region have been reported in individuals affected with autosomal recessive centronuclear myopathy (PMID: 23975875, internal data). Truncating variants in this region have also been identified in individuals affected with autosomal dominant dilated cardiomyopathy and/or cardio-related conditions (PMID: 27869827, 32964742, internal data). Retrotransposon insertions including LINE1 (L1), Alu, and SVA (SINE-VNTR-Alu) have been reported to disrupt protein function (PMID: 19763152, 20307669, 22406018). However the effect of this particular variant is unknown. In summary, the available evidence is currently insufficient to determine the role of this variant in disease. Therefore, it has been classified as a Variant of Uncertain Significance.

Literature cited by the submitters: PubMed 25589632; PubMed 23975875; PubMed 27869827; PubMed 32964742; PubMed 19763152; PubMed 20307669; PubMed 22406018.